The following is an entry in ClinVar:

NM_194323.3(OTOF):c.3555G>A (p.Lys1185=)

Gene: OTOF (otoferlin; minus strand). Cytogenetic location: 2p23.3.
Variant type: single nucleotide variant.
Coding change: c.3555G>A on transcript NM_194323.3 (MANE Plus Clinical); coding-DNA position 3555, G replaced by A.
Protein change: p.Lys1185=; no amino-acid change (lysine 1185 retained).
Molecular consequence: synonymous variant. On other transcripts: 3 prime UTR variant (3).
Genome position (GRCh38, 1-based): chr2:26,458,178, C>T on the plus strand (G>A on the coding strand, the complement: OTOF is on the minus strand). VCF-style: chr2-26458178-C-T. GRCh37 (hg19) VCF-style: chr2-26681046-C-T.
Other names: c.5856G>A, p.Lys1952= (NM_001287489.2); c.*60G>A (NM_004802.4, NM_194248.3, NM_194322.3).
Identifiers: ClinVar variation 3353113 (VCV003353113.1).

ClinVar aggregate classification (germline): Likely benign (0 of 4 stars; one submission).

Conditions:
OTOF-related disorder. Also called: OTOF-related condition.

gnomAD v4.1: 34 of 1,612,546 alleles (0.0021%); highest among the groups gnomAD compares: South Asian, 0.032%; no homozygotes.

Submission:

PreventionGenetics, part of Exact Sciences
Classification: Likely benign for OTOF-related condition. Last evaluated: 2020-03-09. Review status: no assertion criteria provided. Collection method: clinical testing. Allele origin: germline.
Comment: This variant is classified as likely benign based on ACMG/AMP sequence variant interpretation guidelines (Richards et al. 2015 PMID: 25741868, with internal and published modifications).